The following is an entry in ClinVar:

NM_001042492.3(NF1):c.4942A>C (p.Thr1648Pro)

Gene: NF1 (neurofibromin 1; plus strand). Cytogenetic location: 17q11.2.
Variant type: single nucleotide variant.
Coding change: c.4942A>C on transcript NM_001042492.3 (MANE Select); coding-DNA position 4942, A replaced by C.
Protein change: p.Thr1648Pro; replaces threonine 1648 with proline.
Molecular consequence: missense variant.
Genome position (GRCh38, 1-based): chr17:31,325,926, A>C. VCF-style: chr17-31325926-A-C. GRCh37 (hg19) VCF-style: chr17-29652944-A-C.
Other names: c.4879A>C, p.Thr1627Pro (NM_000267.4); short protein forms T1627P, T1648P.
Identifiers: ClinVar variation 2752641 (VCV002752641.3), dbSNP rs770558820, ClinGen allele CA399007159.

ClinVar aggregate classification (germline): Uncertain significance (1 of 4 stars; one submission).

Conditions:
Neurofibromatosis, type 1 (NF1). Also called: VON RECKLINGHAUSEN DISEASE; NEUROFIBROMATOSIS, TYPE I, SOMATIC; Peripheral type neurofibromatosis; Neurofibromatosis, type I. Identifiers: Orphanet 636, MedGen C0027831, MONDO:0018975, OMIM 162200. Disease mechanism: loss of function.

Submission:

Labcorp Genetics (formerly Invitae), Labcorp
Classification: Uncertain significance for Neurofibromatosis, type 1. Last evaluated: 2025-03-30. Review status: criteria provided, single submitter. Criteria: Invitae Variant Classification Sherloc (09022015). Collection method: clinical testing. Allele origin: germline.
Comment: This sequence change replaces threonine, which is neutral and polar, with proline, which is neutral and non-polar, at codon 1627 of the NF1 protein (p.Thr1627Pro). This variant is not present in population databases (gnomAD no frequency). This missense change has been observed in individual(s) with clinical features of NF1-related conditions (PMID: 23913538). ClinVar contains an entry for this variant (Variation ID: 2752641). Invitae Evidence Modeling of protein sequence and biophysical properties (such as structural, functional, and spatial information, amino acid conservation, physicochemical variation, residue mobility, and thermodynamic stability) indicates that this missense variant is not expected to disrupt NF1 protein function with a negative predictive value of 95%. RNA analysis performed to evaluate the impact of this missense change on mRNA splicing indicates it does not significantly alter splicing (internal data). In summary, the available evidence is currently insufficient to determine the role of this variant in disease. Therefore, it has been classified as a Variant of Uncertain Significance.

Literature cited by the submitters: PubMed 23913538.